The following is an entry in ClinVar:

NM_000302.4(PLOD1):c.1176C>T (p.Ser392=)

Gene: PLOD1 (procollagen-lysine,2-oxoglutarate 5-dioxygenase 1; plus strand). Cytogenetic location: 1p36.22.
Variant type: single nucleotide variant.
Coding change: c.1176C>T on transcript NM_000302.4 (MANE Select); coding-DNA position 1176, C replaced by T.
Protein change: p.Ser392=; no amino-acid change (serine 392 retained).
Molecular consequence: synonymous variant.
Genome position (GRCh38, 1-based): chr1:11,963,610, C>T. VCF-style: chr1-11963610-C-T. GRCh37 (hg19) VCF-style: chr1-12023667-C-T.
Other names: c.1317C>T, p.Ser439= (NM_001316320.2).
Identifiers: ClinVar variation 3057350 (VCV003057350.2), dbSNP rs761878111, ClinGen allele CA598309.
Genomic context (GRCh38, chr1:11,963,610, plus strand): 5'-CCGCAGCTGCACCTACTACTTCAGCGTGGATGCTGACGTGGCCCTGACCGAGCCCAACAG[C>T]CTGCGGCTGCTGATCCAACAGAACAAGTGAGGCTGCTCCGTCTGCACCCAGCACTGCTCA-3'
Protein context (NP_000293.2, residues 382-402): DADVALTEPN[Ser392=]LRLLIQQNKN

ClinVar aggregate classification (germline): Likely benign (0 of 4 stars; one submission).

Conditions:
PLOD1-related disorder. Also called: PLOD1-related condition.

Allele frequency attached by ClinVar (database versions not stated): gnomAD exomes below 0.00001; ExAC 0.00002.
gnomAD v4.1: 3 of 1,599,212 alleles (0.00019%); highest among the groups gnomAD compares: East Asian, 0.0023%; no homozygotes.

Submission:

PreventionGenetics, part of Exact Sciences
Classification: Likely benign for PLOD1-related condition. Last evaluated: 2021-10-11. Review status: no assertion criteria provided. Collection method: clinical testing. Allele origin: germline.
Comment: This variant is classified as likely benign based on ACMG/AMP sequence variant interpretation guidelines (Richards et al. 2015 PMID: 25741868, with internal and published modifications).